The following is an entry in ClinVar:

ClinVar aggregate classification (germline): Uncertain significance. Review status: criteria provided, multiple submitters, no conflicts (2 of 4 stars). 4 submissions from 4 submitters: Uncertain significance (4). Last evaluated 2024-10-22.

Conditions:
Congenital disorder of deglycosylation (CDDG). Identifiers: MedGen C3808991, MONDO:0031376.
Inborn genetic diseases. Identifiers: MedGen C0950123, MeSH D030342.

Allele frequency attached by ClinVar (database versions not stated): gnomAD 0.00001; gnomAD exomes 0.00002 and 0.00003; TOPMed 0.00003.
gnomAD v4.1: 40 of 1,613,650 alleles (0.0025%); highest among the groups gnomAD compares: Non-Finnish European, 0.0033%; no homozygotes.

Submissions (4):

Ambry Genetics
Classification: Uncertain significance for Inborn genetic diseases. Last evaluated: 2024-10-22. Review status: criteria provided, single submitter. Criteria: Ambry Variant Classification Scheme 2023. Collection method: clinical testing. Allele origin: germline.

Labcorp Genetics (formerly Invitae), Labcorp
Classification: Uncertain significance for Congenital disorder of deglycosylation. Last evaluated: 2022-06-20. Review status: criteria provided, single submitter. Criteria: Invitae Variant Classification Sherloc (09022015). Collection method: clinical testing. Allele origin: germline.
Comment: This sequence change replaces serine, which is neutral and polar, with leucine, which is neutral and non-polar, at codon 546 of the NGLY1 protein (p.Ser546Leu). This variant is present in population databases (no rsID available, gnomAD 0.004%). This variant has not been reported in the literature in individuals affected with NGLY1-related conditions. ClinVar contains an entry for this variant (Variation ID: 541260). Algorithms developed to predict the effect of missense changes on protein structure and function are either unavailable or do not agree on the potential impact of this missense change (SIFT: "Deleterious"; PolyPhen-2: "Probably Damaging"; Align-GVGD: "Class C15"). In summary, the available evidence is currently insufficient to determine the role of this variant in disease. Therefore, it has been classified as a Variant of Uncertain Significance.

Fulgent Genetics
Classification: Uncertain significance for Congenital disorder of deglycosylation 1. Last evaluated: 2018-10-31. Review status: criteria provided, single submitter. Criteria: ACMG Guidelines, 2015. Collection method: clinical testing. Allele origin: unknown.

Eurofins Ntd Llc (ga)
Classification: Uncertain significance. Last evaluated: 2018-07-11. Review status: criteria provided, single submitter. Criteria: EGL ClinVar v180209 classification definitions. Collection method: clinical testing. Allele origin: germline. Observed: 1 variant allele, 1 heterozygote.

NM_018297.4(NGLY1):c.1637C>T (p.Ser546Leu)

Gene: NGLY1 (N-glycanase 1; minus strand). Cytogenetic location: 3p24.2.
Variant type: single nucleotide variant.
Coding change: c.1637C>T on transcript NM_018297.4 (MANE Select); coding-DNA position 1637, C replaced by T.
Protein change: p.Ser546Leu; replaces serine 546 with leucine.
Molecular consequence: missense variant. On other transcripts: intron variant (1).
Genome position (GRCh38, 1-based): chr3:25,720,166, G>A on the plus strand (C>T on the coding strand, the complement: NGLY1 is on the minus strand). VCF-style: chr3-25720166-G-A. GRCh37 (hg19) VCF-style: chr3-25761657-G-A.
Other names: c.1583C>T, p.Ser528Leu (NM_001145293.2); c.1511C>T, p.Ser504Leu (NM_001145294.2); c.1612-531C>T (NM_001145295.2); short protein forms S546L, S504L, S528L.
Identifiers: ClinVar variation 541260 (VCV000541260.10), dbSNP rs1040190748, ClinGen allele CA71657412.